The following is an entry in ClinVar:

NM_172107.4(KCNQ2):c.329_332del (p.Ser110fs)

Gene: KCNQ2 (potassium voltage-gated channel subfamily Q member 2; minus strand). Cytogenetic location: 20q13.33.
Variant type: Microsatellite.
Coding change: c.329_332del on transcript NM_172107.4 (MANE Select); coding-DNA positions 329 to 332, 4 bases deleted (CTGT; older notation c.329_332delCTGT).
Protein change: p.Ser110fs; shifts the reading frame from serine 110.
Molecular consequence: frameshift variant.
Genome position (GRCh38, 1-based): chr20:63,446,802-63,446,805, ACAG deleted on the plus strand (CTGT on the coding strand, the reverse complement: KCNQ2 is on the minus strand); deleting any 4 consecutive bases within chr20:63,446,802-63,446,809 gives the same sequence; the c. name uses the placement nearest the transcript's 3' end. VCF-style (leftmost placement, unchanged base first): chr20-63446801-CACAG-C. GRCh37 (hg19) VCF-style: chr20-62078154-CACAG-C.
Other names: c.329_332del (NM_172107.2); c.329_332del, p.Ser110fs (NM_001382235.1, NM_004518.6, NM_172106.3 and 2 more transcripts); short protein forms S110fs.
Identifiers: ClinVar variation 422997 (VCV000422997.12), dbSNP rs1064796151, ClinGen allele CA16620978.
Genomic context (GRCh38, chr20:63,446,801, plus strand): 5'-GCTCACCAGGATGTAGAGGGCCCCCTCCGAGCTCTTCTCATACTCCTTGATGGTGGAAAA[CACAG>C]ACAGCACGAGGCAGGAGAAAACCAGGAGGAACCTGGGGGCAGGGAACGCGCGCTCTCAGA-3'

ClinVar aggregate classification (germline): Pathogenic. Review status: criteria provided, multiple submitters, no conflicts (2 of 4 stars). 2 submissions from 2 submitters: Pathogenic (2). Last evaluated 2026-08-03.

Conditions:
Early-infantile DEE. Also called: Early infantile epileptic encephalopathy with suppression bursts; Early infantile epileptic encephalopathy; Ohtahara syndrome. Identifiers: Orphanet 1934, MedGen C0393706, MONDO:0800491.

Submissions (2):

GeneDx
Classification: Pathogenic. Last evaluated: 2026-08-03. Review status: criteria provided, single submitter. Criteria: GeneDx Variant Classification Process June 2021. Collection method: clinical testing. Allele origin: germline.
Comment: Frameshift variant predicted to result in protein truncation or nonsense mediated decay in a gene for which loss of function is a known mechanism of disease; Not observed at significant frequency in large population cohorts (gnomAD); Has not been previously published as pathogenic or benign to our knowledge; This variant is associated with the following publications: (PMID: 27602407)

Labcorp Genetics (formerly Invitae), Labcorp
Classification: Pathogenic for Early-infantile DEE. Last evaluated: 2024-11-05. Review status: criteria provided, single submitter. Criteria: Invitae Variant Classification Sherloc (09022015). Collection method: clinical testing. Allele origin: germline.
Comment: This sequence change creates a premature translational stop signal (p.Ser110Cysfs*22) in the KCNQ2 gene. It is expected to result in an absent or disrupted protein product. Loss-of-function variants in KCNQ2 are known to be pathogenic (PMID: 14534157, 23692823, 27779742). This variant is not present in population databases (gnomAD no frequency). This variant has not been reported in the literature in individuals affected with KCNQ2-related conditions. ClinVar contains an entry for this variant (Variation ID: 422997). For these reasons, this variant has been classified as Pathogenic.

Literature cited by the submitters: PubMed 14534157 (cited by Labcorp Genetics (formerly Invitae), Labcorp); PubMed 23692823 (cited by Labcorp Genetics (formerly Invitae), Labcorp); PubMed 27779742 (cited by Labcorp Genetics (formerly Invitae), Labcorp).